The following is an entry in ClinVar:

ClinVar aggregate classification (germline): Uncertain significance (1 of 4 stars; one submission).

Allele frequency attached by ClinVar (database versions not stated): gnomAD exomes 0.00001.
gnomAD v4.1: 4 of 1,613,946 alleles (0.00025%); highest among the groups gnomAD compares: Non-Finnish European, 0.00034%; no homozygotes.

Submission:

Labcorp Genetics (formerly Invitae), Labcorp
Classification: Uncertain significance. Last evaluated: 2023-05-18. Review status: criteria provided, single submitter. Criteria: Invitae Variant Classification Sherloc (09022015). Collection method: clinical testing. Allele origin: germline.
Comment: This sequence change replaces histidine, which is basic and polar, with tyrosine, which is neutral and polar, at codon 1002 of the C3 protein (p.His1002Tyr). This variant is present in population databases (no rsID available, gnomAD 0.0009%). This variant has not been reported in the literature in individuals affected with C3-related conditions. Advanced modeling of protein sequence and biophysical properties (such as structural, functional, and spatial information, amino acid conservation, physicochemical variation, residue mobility, and thermodynamic stability) performed at Invitae indicates that this missense variant is expected to disrupt C3 protein function. In summary, the available evidence is currently insufficient to determine the role of this variant in disease. Therefore, it has been classified as a Variant of Uncertain Significance.

NM_000064.4(C3):c.3004C>T (p.His1002Tyr)

Gene: C3 (complement C3; minus strand). Cytogenetic location: 19p13.3.
Variant type: single nucleotide variant.
Coding change: c.3004C>T on transcript NM_000064.4 (MANE Select); coding-DNA position 3004, C replaced by T.
Protein change: p.His1002Tyr; replaces histidine 1002 with tyrosine.
Molecular consequence: missense variant.
Genome position (GRCh38, 1-based): chr19:6,694,581, G>A on the plus strand (C>T on the coding strand, the complement: C3 is on the minus strand). VCF-style: chr19-6694581-G-A. GRCh37 (hg19) VCF-style: chr19-6694592-G-A.
Other names: short protein forms H1002Y.
Identifiers: ClinVar variation 2857137 (VCV002857137.3), dbSNP rs1227961999, ClinGen allele CA403629458.